The following is an entry in ClinVar:

NM_000088.4(COL1A1):c.1618del (p.Gly539_Leu540insTer)

Gene: COL1A1 (collagen type I alpha 1 chain; minus strand). Cytogenetic location: 17q21.33.
Variant type: Deletion.
Coding change: c.1618del on transcript NM_000088.4 (MANE Select); coding-DNA position 1618, one base deleted (C; older notation c.1618delC).
Protein change: p.Gly539_Leu540insTer.
Molecular consequence: nonsense.
Genome position (GRCh38, 1-based): chr17:50,194,180, G deleted on the plus strand (C on the coding strand, the reverse complement: COL1A1 is on the minus strand). VCF-style (leftmost placement, unchanged base first): chr17-50194179-AG-A. GRCh37 (hg19) VCF-style: chr17-48271540-AG-A.
Other names: c.1618delC (NM_000088.3).
Identifiers: ClinVar variation 523924 (VCV000523924.2), dbSNP rs1555573696, ClinGen allele CA658798896.
Genomic context (GRCh38, chr17:50,194,179, plus strand): 5'-GTGATACTTACAGGGGGGCCAGTTTTGCCATCAGGACCAGGGCTGCCAGGGCTTCCAGTC[AG>A]ACCCTAGGGAGGCAGAGAGGTATGAGTGGGACTTGGGGAGAAGCATGATGGAGGTGGGGG-3'

ClinVar aggregate classification (germline): Pathogenic (1 of 4 stars; one submission).

Submission:

GeneDx
Classification: Pathogenic. Last evaluated: 2018-04-10. Review status: criteria provided, single submitter. Criteria: GeneDx Variant Classification (06012015). Collection method: clinical testing. Allele origin: germline. Affected: yes.
Comment: The c.1618delC pathogenic variant in the COL1A1 gene results in the replacement of the Leucine residue at position 540 with a premature Stop codon, denoted p.L540X. It is predicted to cause loss of normal protein function either through protein truncation or nonsense-mediated mRNA decay. It is not observed in large population cohorts (Lek et al., 2016).